The following is an entry in ClinVar:

ClinVar aggregate classification (germline): Pathogenic. Review status: reviewed by expert panel (3 of 4 stars). 2 submissions from 2 submitters: Pathogenic (1). 1 of the submissions does not count toward it. Last evaluated 2016-09-08.

Conditions:
Breast-ovarian cancer, familial, susceptibility to, 1 (BROVCA1). Also called: BRCA1 Hereditary Breast and Ovarian Cancer; OVARIAN CANCER, SUSCEPTIBILITY TO. Identifiers: Orphanet 145, MedGen C2676676, MONDO:0011450, OMIM 604370. Disease mechanism: loss of function.

Submissions (2):

Evidence-based Network for the Interpretation of Germline Mutant Alleles (ENIGMA)
Classification: Pathogenic for Breast-ovarian cancer, familial, susceptibility to, 1. Last evaluated: 2016-09-08. Review status: reviewed by expert panel. Criteria: ENIGMA BRCA1/2 Classification Criteria (2015). Collection method: curation. Allele origin: germline.
Comment: Variant allele predicted to encode a truncated non-functional protein.

Breast Cancer Information Core (BIC) (BRCA1)
Classification: Pathogenic for Breast-ovarian cancer, familial 1. Last evaluated: 2004-11-25. Review status: no assertion criteria provided. Collection method: clinical testing. Allele origin: germline. Affected: yes. Observed: 1 variant allele. Not counted in ClinVar's aggregate classification.

NM_007294.4(BRCA1):c.5498_5511del (p.Val1833fs)

Gene: BRCA1 (BRCA1 DNA repair associated; minus strand). Cytogenetic location: 17q21.31.
Variant type: Deletion.
Coding change: c.5498_5511del on transcript NM_007294.4 (MANE Select); coding-DNA positions 5498 to 5511, 14 bases deleted (TGACCCGAGAGTGG).
Protein change: p.Val1833fs; shifts the reading frame from valine 1833.
Molecular consequence: frameshift variant. On other transcripts: 3 prime UTR variant (1), non-coding transcript variant (1).
Genome position (GRCh38, 1-based): chr17:43,045,759-43,045,772, CCACTCTCGGGTCA deleted on the plus strand (TGACCCGAGAGTGG on the coding strand, the reverse complement: BRCA1 is on the minus strand); deleting any 14 consecutive bases within chr17:43,045,759-43,045,776 gives the same sequence; the c. name uses the placement nearest the transcript's 3' end. VCF-style (leftmost placement, unchanged base first): chr17-43045758-CCCACTCTCGGGTCA-C. GRCh37 (hg19) VCF-style: chr17-41197775-CCCACTCTCGGGTCA-C.
Other names: 5617del14; c.5498_5511delTGACCCGAGAGTGG (NM_007294.3); c.5353_5366delGTGGTGACCCGAGA, p.Val1786Glyfs (NM_001407696.1, NM_001407697.1, NM_001407698.1 and 11 more transcripts); c.5350_5363delGTGGTGACCCGAGA, p.Val1785Glyfs (NM_001407732.1, NM_001407733.1, NM_001407734.1 and 18 more transcripts); c.5347_5360delGTGGTGACCCGAGA, p.Val1784Glyfs (NM_001407838.1, NM_001407839.1, NM_001407841.1 and 12 more transcripts); c.*8_*21delGTGGTGACCCGAGA (NM_001407854.1, NM_001407858.1, NM_001407859.1 and 13 more transcripts); c.5293_5306delGTGGTGACCCGAGA, p.Val1766Glyfs (NM_001407862.1); c.5290_5303delGTGGTGACCCGAGA, p.Val1765Glyfs (NM_001407863.1); and 79 more; short protein forms V1786fs, V1833fs, V729fs, V1854fs.
Identifiers: ClinVar variation 125867 (VCV000125867.3), dbSNP rs80359873, ClinGen allele CA003668.